The following is an entry in ClinVar:

NM_001458.5(FLNC):c.7202T>C (p.Val2401Ala)

Genes: FLNC-AS1 (FLNC antisense RNA 1; minus strand), FLNC (filamin C; plus strand). Cytogenetic location: 7q32.1.
Variant type: single nucleotide variant.
Coding change: c.7202T>C on transcript NM_001458.5 (MANE Select); coding-DNA position 7202, T replaced by C.
Protein change: p.Val2401Ala; replaces valine 2401 with alanine.
Molecular consequence: missense variant.
Genome position (GRCh38, 1-based): chr7:128,855,265, T>C. VCF-style: chr7-128855265-T-C. GRCh37 (hg19) VCF-style: chr7-128495319-T-C.
Other names: c.7103T>C, p.Val2368Ala (NM_001127487.2); short protein forms V2368A, V2401A.
Identifiers: ClinVar variation 4812748 (VCV004812748.1).

ClinVar aggregate classification (germline): Uncertain significance (1 of 4 stars; one submission).

Conditions:
Hypertrophic cardiomyopathy 26. Also called: Cardiomyopathy, familial hypertrophic, 26. Identifiers: Orphanet 75249, MedGen C4310749, MONDO:0014883, OMIM 617047.
Myofibrillar myopathy 5. Also called: Filaminopathy (type); FILAMINOPATHY, AUTOSOMAL DOMINANT. Identifiers: Orphanet 171445, MedGen C1836050, MONDO:0012289, OMIM 609524.
Distal myopathy with posterior leg and anterior hand involvement. Also called: WILLIAMS DISTAL MYOPATHY. Identifiers: Orphanet 63273, MedGen C3279722, MONDO:0013550, OMIM 614065.

Submission:

Labcorp Genetics (formerly Invitae), Labcorp
Classification: Uncertain significance for Distal myopathy with posterior leg and anterior hand involvement; Myofibrillar myopathy 5; Hypertrophic cardiomyopathy 26. Last evaluated: 2025-07-23. Review status: criteria provided, single submitter. Criteria: Invitae Variant Classification Sherloc (09022015). Collection method: clinical testing. Allele origin: germline.
Comment: This sequence change replaces valine, which is neutral and non-polar, with alanine, which is neutral and non-polar, at codon 2401 of the FLNC protein (p.Val2401Ala). This variant is not present in population databases (gnomAD no frequency). This variant has not been reported in the literature in individuals affected with FLNC-related conditions. Invitae Evidence Modeling of protein sequence and biophysical properties (such as structural, functional, and spatial information, amino acid conservation, physicochemical variation, residue mobility, and thermodynamic stability) indicates that this missense variant is not expected to disrupt FLNC protein function with a negative predictive value of 80%. In summary, the available evidence is currently insufficient to determine the role of this variant in disease. Therefore, it has been classified as a Variant of Uncertain Significance.